The following is an entry in ClinVar:

ClinVar aggregate classification (germline): Uncertain significance (1 of 4 stars; one submission).

Conditions:
TNF receptor-associated periodic fever syndrome (TRAPS) (FPF). Also called: TNF RECEPTOR-ASSOCIATED PERIODIC SYNDROME; TUMOR NECROSIS FACTOR RECEPTOR-ASSOCIATED PERIODIC SYNDROME; Autosomal Dominant Familial Periodic Fever; TNF Receptor-Associated Periodic Fever Syndrome; TNF receptor 1-associated periodic fever syndrome; FAMILIAL HIBERNIAN FEVER. Identifiers: Orphanet 32960, MedGen C1275126, MONDO:0007727, OMIM 142680.

Submission:

Labcorp Genetics (formerly Invitae), Labcorp
Classification: Uncertain significance for TNF receptor-associated periodic fever syndrome (TRAPS). Last evaluated: 2022-07-12. Review status: criteria provided, single submitter. Criteria: Invitae Variant Classification Sherloc (09022015). Collection method: clinical testing. Allele origin: germline.
Comment: This sequence change replaces proline, which is neutral and non-polar, with serine, which is neutral and polar, at codon 337 of the TNFRSF1A protein (p.Pro337Ser). This variant is not present in population databases (gnomAD no frequency). This variant has not been reported in the literature in individuals affected with TNFRSF1A-related conditions. ClinVar contains an entry for this variant (Variation ID: 1360366). Advanced modeling of protein sequence and biophysical properties (such as structural, functional, and spatial information, amino acid conservation, physicochemical variation, residue mobility, and thermodynamic stability) performed at Invitae indicates that this missense variant is not expected to disrupt TNFRSF1A protein function. In summary, the available evidence is currently insufficient to determine the role of this variant in disease. Therefore, it has been classified as a Variant of Uncertain Significance.

NM_001065.4(TNFRSF1A):c.1009C>T (p.Pro337Ser)

Gene: TNFRSF1A (TNF receptor superfamily member 1A; minus strand). Cytogenetic location: 12p13.31.
Variant type: single nucleotide variant.
Coding change: c.1009C>T on transcript NM_001065.4 (MANE Select); coding-DNA position 1009, C replaced by T.
Protein change: p.Pro337Ser; replaces proline 337 with serine.
Molecular consequence: missense variant. On other transcripts: non-coding transcript variant (1).
Genome position (GRCh38, 1-based): chr12:6,329,826, G>A on the plus strand (C>T on the coding strand, the complement: TNFRSF1A is on the minus strand). VCF-style: chr12-6329826-G-A. GRCh37 (hg19) VCF-style: chr12-6438992-G-A.
Other names: c.685C>T, p.Pro229Ser (NM_001346091.2); c.550C>T, p.Pro184Ser (NM_001346092.2); short protein forms P229S, P184S, P337S.
Identifiers: ClinVar variation 1360366 (VCV001360366.8), dbSNP rs2136814221, ClinGen allele CA383545674.